The following is an entry in ClinVar:

NM_000070.3(CAPN3):c.568del (p.Val190fs)

Gene: CAPN3 (calpain 3; plus strand). Cytogenetic location: 15q15.1.
Variant type: Deletion.
Coding change: c.568del on transcript NM_000070.3 (MANE Select); coding-DNA position 568, one base deleted (G; older notation c.568delG).
Protein change: p.Val190fs; shifts the reading frame from valine 190.
Molecular consequence: frameshift variant.
Genome position (GRCh38, 1-based): chr15:42,387,822, G deleted; the last of 2 consecutive G bases (chr15:42,387,821-42,387,822); deleting either gives the same sequence. VCF-style (leftmost placement, unchanged base first): chr15-42387820-TG-T. GRCh37 (hg19) VCF-style: chr15-42680018-TG-T.
Other names: c.568del, p.Val190fs (NM_024344.2, NM_173087.2); c.568delG (NM_000070.3); short protein forms V190fs.
Identifiers: ClinVar variation 3896793 (VCV003896793.1).

ClinVar aggregate classification (germline): Likely pathogenic (1 of 4 stars; one submission).

Conditions:
Autosomal recessive limb-girdle muscular dystrophy type 2A (LGMDR1). Also called: LEYDEN-MOEBIUS MUSCULAR DYSTROPHY; MUSCULAR DYSTROPHY, PELVOFEMORAL; Limb-girdle muscular dystrophy, type 2A; Muscular dystrophy, limb-girdle, type 2A, Amish; Calpainopathy. Identifiers: Orphanet 267, MedGen C1869123, MONDO:0009675, OMIM 253600. Disease mechanism: loss of function.

Submission:

Kariminejad - Najmabadi Pathology & Genetics Center
Classification: Likely pathogenic for Autosomal recessive limb-girdle muscular dystrophy type 2A. Last evaluated: 2022-12-09. Review status: criteria provided, single submitter. Criteria: ACMG Guidelines, 2015. Collection method: clinical testing. Allele origin: germline. Inheritance: Autosomal recessive inheritance. Affected: yes.
Comment: PVS1,PM2